The following continues an entry in ClinVar:

NM_001080.3(ALDH5A1):c.612G>A (p.Trp204Ter)

Gene: ALDH5A1. ClinVar aggregate classification (germline): Pathogenic. Pathogenic (16).

Submissions 13 to 17 of 17:

Laboratory for Molecular Medicine, Mass General Brigham Personalized Medicine
Classification: Pathogenic for Succinate-semialdehyde dehydrogenase deficiency. Last evaluated: 2018-09-11. Review status: criteria provided, single submitter. Criteria: LMM Criteria. Collection method: clinical testing. Allele origin: germline. Inheritance: Autosomal recessive inheritance. Observed: 1 variant allele.
Comment: The p.Trp204X variant in ALDH5A1 has been identified in homozygous state in 2 in dividuals and in compound heterozygous state in 5 individuals with succinic semi aldehyde dehydrogenase deficiency. It has also been identified in 11/ 126714 Eur opean chromosomes by the Genome Aggregation Database (gnomAD; dbSNP rs118203982). Although this variant has been seen in the general population, its frequency is low enough to be consistent with a recessiv e carrier frequency. This variant has been reported in ClinVar (Variation ID: 13 57). This nonsense variant leads to a premature termination codon at position 20 4, which is predicted to lead to a truncated or absent protein. Loss of function of the ALDH5A1 gene is an established disease mechanism in autosomal recessive succinic semialdehyde dehydrogenase deficiency. In summary, the p.Trp204X meets criteria to be classified as pathogenic for succinic semialdehyde dehydrogenase deficiency in an autosomal recessive manner. ACMG/AMP criteria applied: PVS1, PM 3_Strong, PM2_Supporting.

Genetic Services Laboratory, University of Chicago
Classification: Pathogenic for Succinic semialdehyde dehydrogenase deficiency. Last evaluated: 2016-03-22. Review status: criteria provided, single submitter. Criteria: ACMG Guidelines, 2015. Collection method: clinical testing. Allele origin: germline. Affected: yes.

Center for Pediatric Genomic Medicine, Children's Mercy Hospital and Clinics
Classification: Pathogenic. Last evaluated: 2015-02-09. Review status: criteria provided, single submitter. Criteria: ACMG Guidelines, 2015. Collection method: clinical testing. Allele origin: germline.

Molecular Genetics Lab, CHRU Brest
Classification: Pathogenic for Succinate-semialdehyde dehydrogenase deficiency. Review status: criteria provided, single submitter. Criteria: ACMG Guidelines, 2015. Collection method: clinical testing. Allele origin: paternal. Affected: yes.

OMIM
Classification: Pathogenic for SUCCINIC SEMIALDEHYDE DEHYDROGENASE DEFICIENCY. Last evaluated: 2003-12-01. Review status: no assertion criteria provided. Collection method: literature only. Allele origin: germline. Not counted in ClinVar's aggregate classification.

Literature cited by the submitters: PubMed 40741980 (cited by OLLIN Analises Genomicas, OLLIN); PubMed 38677032 (cited by OLLIN Analises Genomicas, OLLIN); PubMed 39011401 (cited by OLLIN Analises Genomicas, OLLIN); PubMed 34015244 (cited by OLLIN Analises Genomicas, OLLIN); PubMed 14635103 (cited by 7 submitters); PubMed 11243727 (cited by 4 submitters); PubMed 26964512 (cited by Victorian Clinical Genetics Services, Murdoch Childrens Research Institute and Illumina Laboratory Services, Illumina); PubMed 27896081 (cited by Elsea Laboratory, Baylor College of Medicine); PubMed 32238909 (cited by Cavalleri Lab, Royal College of Surgeons in Ireland); PubMed 32887777 (cited by OMIM).